The following is an entry in ClinVar:

NM_138348.6(OTULIN):c.455C>T (p.Pro152Leu)

Gene: OTULIN (OTU deubiquitinase with linear linkage specificity; plus strand). Cytogenetic location: 5p15.2.
Variant type: single nucleotide variant.
Coding change: c.455C>T on transcript NM_138348.6 (MANE Select); coding-DNA position 455, C replaced by T.
Protein change: p.Pro152Leu; replaces proline 152 with leucine.
Molecular consequence: missense variant.
Genome position (GRCh38, 1-based): chr5:14,681,594, C>T. VCF-style: chr5-14681594-C-T. GRCh37 (hg19) VCF-style: chr5-14681703-C-T.
Other names: short protein forms P152L.
Identifiers: ClinVar variation 1472802 (VCV001472802.5), dbSNP rs547080675, ClinGen allele CA3208599.

ClinVar aggregate classification (germline): Uncertain significance (1 of 4 stars; one submission).

Allele frequency attached by ClinVar (database versions not stated): gnomAD 0.00001 and 0.00002; gnomAD exomes 0.00008; ExAC 0.00017; 1000 Genomes Project 0.00020; 1000 Genomes Project 30x 0.00031.
gnomAD v4.1: 51 of 1,611,754 alleles (0.0032%); highest among the groups gnomAD compares: Non-Finnish European, 0.0036%; no homozygotes.

Submission:

Labcorp Genetics (formerly Invitae), Labcorp
Classification: Uncertain significance. Last evaluated: 2021-10-14. Review status: criteria provided, single submitter. Criteria: Invitae Variant Classification Sherloc (09022015). Collection method: clinical testing. Allele origin: germline.
Comment: This sequence change replaces proline with leucine at codon 152 of the OTULIN protein (p.Pro152Leu). The proline residue is moderately conserved and there is a moderate physicochemical difference between proline and leucine. This variant is present in population databases (rs547080675, ExAC 0.03%). This variant has not been reported in the literature in individuals affected with OTULIN-related conditions. Algorithms developed to predict the effect of missense changes on protein structure and function output the following: SIFT: "Tolerated"; PolyPhen-2: "Benign"; Align-GVGD: "Class C0". The leucine amino acid residue is found in multiple mammalian species, which suggests that this missense change does not adversely affect protein function. In summary, the available evidence is currently insufficient to determine the role of this variant in disease. Therefore, it has been classified as a Variant of Uncertain Significance.